The following is an entry in ClinVar:

ClinVar aggregate classification (germline): Likely pathogenic (1 of 4 stars; one submission).

Submission:

GeneDx
Classification: Likely pathogenic. Last evaluated: 2025-01-22. Review status: criteria provided, single submitter. Criteria: GeneDx Variant Classification Process June 2021. Collection method: clinical testing. Allele origin: germline. Affected: yes.
Comment: Reported in the published literature in a patient with a neurodevelopmental disorder (PMID: 31144778); Not observed at significant frequency in large population cohorts (gnomAD); Canonical splice site variant predicted to result in an in-frame loss of the adjacent exon in a gene for which loss of function is a known mechanism of disease; This variant is associated with the following publications: (PMID: 31209962, 36368308, 31144778)

NM_021008.4(DEAF1):c.870+1G>A

Gene: DEAF1 (DEAF1 transcription factor; minus strand). Cytogenetic location: 11p15.5.
Variant type: single nucleotide variant.
Coding change: c.870+1G>A on transcript NM_021008.4 (MANE Select); the canonical splice donor site of the intron after coding-DNA position 870, G replaced by A.
Molecular consequence: splice donor variant.
Genome position (GRCh38, 1-based): chr11:684,897, C>T on the plus strand (G>A on the coding strand, the complement: DEAF1 is on the minus strand). VCF-style: chr11-684897-C-T. GRCh37 (hg19) VCF-style: chr11-684897-C-T.
Other names: c.144+1G>A (NM_001367390.1, NM_001440885.1, NM_001440887.1 and 1 more transcripts); c.730+1G>A (NM_001293634.2); c.870+1G>A (NM_001440884.1, NM_001440883.1).
Identifiers: ClinVar variation 4071572 (VCV004071572.1).